The following is an entry in ClinVar:

ClinVar aggregate classification (germline): Likely benign (1 of 4 stars; one submission).

gnomAD v4.1: 3 of 1,422,060 alleles (0.00021%); highest among the groups gnomAD compares: Admixed American, 0.0029%; no homozygotes.

Submission:

CeGaT Center for Human Genetics Tuebingen
Classification: Likely benign. Last evaluated: 2026-03-01. Review status: criteria provided, single submitter. Criteria: CeGaT Center For Human Genetics Tuebingen Variant Classification Criteria Version 2. Collection method: clinical testing. Allele origin: germline. Affected: yes. Observed: 1 variant allele.
Comment: WDR26: BP4, BP7

NM_001379403.1(WDR26):c.246C>T (p.Ala82=)

Gene: WDR26 (WD repeat domain 26; minus strand). Cytogenetic location: 1q42.12.
Variant type: single nucleotide variant.
Coding change: c.246C>T on transcript NM_001379403.1 (MANE Select); coding-DNA position 246, C replaced by T.
Protein change: p.Ala82=; no amino-acid change (alanine 82 retained).
Molecular consequence: synonymous variant. On other transcripts: 5 prime UTR variant (2).
Genome position (GRCh38, 1-based): chr1:224,434,160, G>A on the plus strand (C>T on the coding strand, the complement: WDR26 is on the minus strand). VCF-style: chr1-224434160-G-A. GRCh37 (hg19) VCF-style: chr1-224621862-G-A.
Other names: c.-55C>T (NM_001115113.3, NM_025160.7).
Identifiers: ClinVar variation 4822251 (VCV004822251.4).